The following is an entry in ClinVar:

NM_015272.5(RPGRIP1L):c.2692_2696del (p.Glu898fs)

Gene: RPGRIP1L (RPGRIP1 like; minus strand). Cytogenetic location: 16q12.2.
Variant type: Deletion.
Coding change: c.2692_2696del on transcript NM_015272.5 (MANE Select); coding-DNA positions 2692 to 2696, 5 bases deleted (GAGTT; older notation c.2692_2696delGAGTT).
Protein change: p.Glu898fs; shifts the reading frame from glutamic acid 898.
Molecular consequence: frameshift variant.
Genome position (GRCh38, 1-based): chr16:53,641,463-53,641,467, AACTC deleted on the plus strand (GAGTT on the coding strand, the reverse complement: RPGRIP1L is on the minus strand); deleting any 5 consecutive bases within chr16:53,641,463-53,641,469 gives the same sequence; the c. name uses the placement nearest the transcript's 3' end. VCF-style (leftmost placement, unchanged base first): chr16-53641462-TAACTC-T. GRCh37 (hg19) VCF-style: chr16-53675374-TAACTC-T.
Other names: c.2692_2696del, p.Glu898fs (NM_001127897.4, NM_001308334.3, NM_001330538.2); short protein forms E898fs.
Identifiers: ClinVar variation 992275 (VCV000992275.7), dbSNP rs1966218490, ClinGen allele CA1139664698.
Genomic context (GRCh38, chr16:53,641,462, plus strand): 5'-AGCAAATTTCCATTTCAATATAACATGGATGGTGCCAGCAGGATGCTTTTGATGGTCTGT[TAACTC>T]AAATATTCCTGTCAAATTACAATAATTTTAATTAATGCTAGAGTGAAGTTTTATTACTGT-3'

ClinVar aggregate classification (germline): Pathogenic/Likely pathogenic. Review status: criteria provided, multiple submitters, no conflicts (2 of 4 stars). 3 submissions from 3 submitters: Pathogenic (2); Likely pathogenic (1). Last evaluated 2024-06-24.

Conditions:
COACH syndrome 3. Identifiers: MedGen C5436841, MONDO:0030862, OMIM 619113.
Joubert syndrome 7 (JBTS7). Identifiers: Orphanet 220497, MedGen C1969053, MONDO:0012694, OMIM 611560.
Meckel syndrome, type 5 (MKS5). Identifiers: Orphanet 564, MedGen C1969052, MONDO:0012695, OMIM 611561.

Submissions (3):

Dasa
Classification: Pathogenic. Last evaluated: 2024-06-24. Review status: criteria provided, single submitter. Criteria: DASA Assertion Criteria. Collection method: clinical testing. Allele origin: germline.
Comment: NM_015272.5(RPGRIP1L):c.2692_2696del (p.Glu898Asnfs*31) is a frameshift variant in RPGRIP1L predicted to alter the reading frame and introduce a premature termination codon and is predicted to result in an absent or altered protein product. Loss of function is an established disease mechanism for RPGRIP1L-associated disorders. This variant has been reported in individuals with RPGRIP1L-related disorders. Also, this variant is absent from population databases. Based on the currently available evidence, this variant is classified as pathogenic.

Fulgent Genetics
Classification: Likely pathogenic for Joubert syndrome 7; Meckel syndrome, type 5; COACH syndrome 3. Last evaluated: 2024-05-30. Review status: criteria provided, single submitter. Criteria: ACMG Guidelines, 2015. Collection method: clinical testing. Allele origin: germline.

Greenwood Genetic Center Diagnostic Laboratories, Greenwood Genetic Center
Classification: Pathogenic. Last evaluated: 2020-08-03. Review status: criteria provided, single submitter. Criteria: ACMG Guidelines, 2015. Collection method: clinical testing. Allele origin: germline. Affected: yes.